The following is an entry in ClinVar:

NM_001177316.2(SLC34A3):c.869G>T (p.Gly290Val)

Gene: SLC34A3 (solute carrier family 34 member 3; plus strand). Cytogenetic location: 9q34.3.
Variant type: single nucleotide variant.
Coding change: c.869G>T on transcript NM_001177316.2 (MANE Select); coding-DNA position 869, G replaced by T.
Protein change: p.Gly290Val; replaces glycine 290 with valine.
Molecular consequence: missense variant.
Genome position (GRCh38, 1-based): chr9:137,233,885, G>T. VCF-style: chr9-137233885-G-T. GRCh37 (hg19) VCF-style: chr9-140128337-G-T.
Other names: c.869G>T, p.Gly290Val (NM_001177317.2, NM_080877.3); short protein forms G290V.
Identifiers: ClinVar variation 1915790 (VCV001915790.2), dbSNP rs778235562, ClinGen allele CA5364638.

ClinVar aggregate classification (germline): Uncertain significance (1 of 4 stars; one submission).

Allele frequency attached by ClinVar (database versions not stated): TOPMed below 0.00001; gnomAD 0.00001; gnomAD exomes 0.00002; ExAC 0.00011.

Submission:

Labcorp Genetics (formerly Invitae), Labcorp
Classification: Uncertain significance. Last evaluated: 2022-07-05. Review status: criteria provided, single submitter. Criteria: Invitae Variant Classification Sherloc (09022015). Collection method: clinical testing. Allele origin: germline.
Comment: This sequence change replaces glycine, which is neutral and non-polar, with valine, which is neutral and non-polar, at codon 290 of the SLC34A3 protein (p.Gly290Val). The frequency data for this variant in the population databases is considered unreliable, as metrics indicate poor data quality at this position in the gnomAD database. This variant has not been reported in the literature in individuals affected with SLC34A3-related conditions. Algorithms developed to predict the effect of missense changes on protein structure and function (SIFT, PolyPhen-2, Align-GVGD) all suggest that this variant is likely to be tolerated. In summary, the available evidence is currently insufficient to determine the role of this variant in disease. Therefore, it has been classified as a Variant of Uncertain Significance.